The following is an entry in ClinVar:

ClinVar aggregate classification (germline): Uncertain significance (1 of 4 stars; one submission).

Conditions:
Kabuki syndrome. Also called: Kabuki make-up syndrome; NIIKAWA-KUROKI SYNDROME. Identifiers: Orphanet 2322, MedGen C0796004, MONDO:0016512.

Submission:

Labcorp Genetics (formerly Invitae), Labcorp
Classification: Uncertain significance for Kabuki syndrome. Last evaluated: 2024-01-25. Review status: criteria provided, single submitter. Criteria: Invitae Variant Classification Sherloc (09022015). Collection method: clinical testing. Allele origin: germline.
Comment: This sequence change replaces proline, which is neutral and non-polar, with arginine, which is basic and polar, at codon 637 of the KMT2D protein (p.Pro637Arg). This variant is not present in population databases (gnomAD no frequency). This variant has not been reported in the literature in individuals affected with KMT2D-related conditions. Advanced modeling of protein sequence and biophysical properties (such as structural, functional, and spatial information, amino acid conservation, physicochemical variation, residue mobility, and thermodynamic stability) performed at Invitae indicates that this missense variant is not expected to disrupt KMT2D protein function with a negative predictive value of 95%. In summary, the available evidence is currently insufficient to determine the role of this variant in disease. Therefore, it has been classified as a Variant of Uncertain Significance.

NM_003482.4(KMT2D):c.1910C>G (p.Pro637Arg)

Gene: KMT2D (lysine methyltransferase 2D; minus strand). Cytogenetic location: 12q13.12.
Variant type: single nucleotide variant.
Coding change: c.1910C>G on transcript NM_003482.4 (MANE Select); coding-DNA position 1910, C replaced by G.
Protein change: p.Pro637Arg; replaces proline 637 with arginine.
Molecular consequence: missense variant.
Genome position (GRCh38, 1-based): chr12:49,051,773, G>C on the plus strand (C>G on the coding strand, the complement: KMT2D is on the minus strand). VCF-style: chr12-49051773-G-C. GRCh37 (hg19) VCF-style: chr12-49445556-G-C.
Other names: short protein forms P637R.
Identifiers: ClinVar variation 2819927 (VCV002819927.3), dbSNP rs2498457034, ClinGen allele CA384669792.
Genomic context (GRCh38, chr12:49,051,773, plus strand): 5'-GGCAGGGGGGATAGGCGCGATACCTCAGGTGGGGGGGACATAGGTGATTCTTCAGGTGGT[G>C]GGGACATAGGCGAGTCCTCAGGTGGTGGGGACAGGCGTGATGCCTCAGGTGGTGGGGAAA-3'
Protein context (NP_003473.3, residues 627-647): SPPPEDSPMS[Pro637Arg]PPEESPMSPP